The following is an entry in ClinVar:

ClinVar aggregate classification (germline): Uncertain significance (1 of 4 stars; one submission).

Allele frequency attached by ClinVar (database versions not stated): TOPMed below 0.00001; gnomAD 0.00001; ExAC 0.00006.
gnomAD v4.1: 62 of 1,610,932 alleles (0.0038%); highest among the groups gnomAD compares: South Asian, 0.057%; 3 homozygotes.

Submission:

Ambry Genetics
Classification: Uncertain significance. Last evaluated: 2022-05-25. Review status: criteria provided, single submitter. Criteria: Ambry Variant Classification Scheme 2023. Collection method: clinical testing. Allele origin: germline.
Comment: The c.11153G>A (p.R3718Q) alteration is located in exon 64 (coding exon 64) of the KIAA1109 gene. This alteration results from a G to A substitution at nucleotide position 11153, causing the arginine (R) at amino acid position 3718 to be replaced by a glutamine (Q). The p.R3718Q alteration is predicted to be tolerated by in silico analysis. Based on insufficient or conflicting evidence, the clinical significance of this alteration remains unclear.

NM_001384125.1(BLTP1):c.11417G>A (p.Arg3806Gln)

Gene: BLTP1 (bridge-like lipid transfer protein family member 1; plus strand). Cytogenetic location: 4q27.
Variant type: single nucleotide variant.
Coding change: c.11417G>A on transcript NM_001384125.1 (MANE Select); coding-DNA position 11417, G replaced by A.
Protein change: p.Arg3806Gln; replaces arginine 3806 with glutamine.
Molecular consequence: missense variant.
Genome position (GRCh38, 1-based): chr4:122,328,261, G>A. VCF-style: chr4-122328261-G-A. GRCh37 (hg19) VCF-style: chr4-123249416-G-A.
Other names: c.11153G>A, p.Arg3718Gln (NM_015312.4); short protein forms R3806Q, R3718Q.
Identifiers: ClinVar variation 3134147 (VCV003134147.1), dbSNP rs746735957, ClinGen allele CA3067754.
Genomic context (GRCh38, chr4:122,328,261, plus strand): 5'-CTCCCAAAACTCCAGGAGGCTTTTCACCAGGCATTCCTTTCCAAACTGAAGAGGGCCGAC[G>A]GGATGACAGTTTGTCTTCTACCAGTGAAGATTCCGAGAAGGATGAAAAAGATGAAGACCA-3'
Protein context (NP_001371054.1, residues 3796-3816): GIPFQTEEGR[Arg3806Gln]DDSLSSTSED